The following is an entry in ClinVar:

NM_022168.4(IFIH1):c.1312T>C (p.Ser438Pro)

Gene: IFIH1 (interferon induced with helicase C domain 1; minus strand). Cytogenetic location: 2q24.2.
Variant type: single nucleotide variant.
Coding change: c.1312T>C on transcript NM_022168.4 (MANE Select); coding-DNA position 1312, T replaced by C.
Protein change: p.Ser438Pro; replaces serine 438 with proline.
Molecular consequence: missense variant.
Genome position (GRCh38, 1-based): chr2:162,281,540, A>G on the plus strand (T>C on the coding strand, the complement: IFIH1 is on the minus strand). VCF-style: chr2-162281540-A-G. GRCh37 (hg19) VCF-style: chr2-163138050-A-G.
Other names: c.1312T>C, p.Ser438Pro (LRG_1235t1); short protein forms S438P.
Identifiers: ClinVar variation 445430 (VCV000445430.44), dbSNP rs139714761, ClinGen allele CA1934552.

ClinVar aggregate classification (germline): Conflicting classifications of pathogenicity. Review status: criteria provided, conflicting classifications (1 of 4 stars). 8 submissions from 8 submitters: Uncertain significance (5); Likely benign (1). 2 of the submissions do not count toward it. Last evaluated 2025-09-24.

Conditions:
Aicardi-Goutieres syndrome 7 (AGS7). Identifiers: Orphanet 51, MedGen C3888244, MONDO:0014367, OMIM 615846.
Singleton-Merten syndrome 1 (SGMRT1). Also called: Widened medullary cavities of bone, aortic calcification, abnormal dentition, and muscular weakness; Syndrome of widened medullary cavities of the metacarpals and phalanges, aortic calcification and abnormal dentition. Identifiers: Orphanet 85191, MedGen C4225427, MONDO:0024535, OMIM 182250.
Immunodeficiency 95 (IMD95). Identifiers: MedGen C5676929, MONDO:0030692, OMIM 619773.

Allele frequency attached by ClinVar (database versions not stated): gnomAD exomes 0.00006 and 0.00015; gnomAD 0.00009 and 0.00010; ExAC 0.00011; TOPMed 0.00011.
gnomAD v4.1: 94 of 1,601,778 alleles (0.0059%); highest among the groups gnomAD compares: East Asian, 0.034%; no homozygotes.

Submissions (8):

Genesolutions, Medical Genetics Institutes, Ho Chi Minh City, Vietnam
Classification: Uncertain significance for Immunodeficiency 95. Last evaluated: 2025-09-24. Review status: criteria provided, single submitter. Criteria: ACMG Guidelines, 2015. Collection method: clinical testing. Allele origin: germline. Affected: yes.

Labcorp Genetics (formerly Invitae), Labcorp
Classification: Likely benign for Aicardi-Goutieres syndrome 7; Singleton-Merten syndrome 1. Last evaluated: 2025-05-24. Review status: criteria provided, single submitter. Criteria: Invitae Variant Classification Sherloc (09022015). Collection method: clinical testing. Allele origin: germline.

CeGaT Center for Human Genetics Tuebingen
Classification: Uncertain significance. Last evaluated: 2023-02-01. Review status: criteria provided, single submitter. Criteria: CeGaT Center For Human Genetics Tuebingen Variant Classification Criteria Version 2. Collection method: clinical testing. Allele origin: germline. Affected: yes. Observed: 1 variant allele.
Comment: IFIH1: PM2

Blueprint Genetics
Classification: Uncertain significance. Last evaluated: 2021-11-10. Review status: criteria provided, single submitter. Criteria: ACMG Guidelines, 2015. Collection method: clinical testing. Allele origin: germline.

GeneDx
Classification: Uncertain significance. Last evaluated: 2020-03-23. Review status: criteria provided, single submitter. Criteria: GeneDx Variant Classification Process June 2021. Collection method: clinical testing. Allele origin: germline. Affected: yes.
Comment: Has not been previously published as pathogenic or benign to our knowledge; In silico analysis supports that this missense variant has a deleterious effect on protein structure/function

Center for Pediatric Genomic Medicine, Children's Mercy Hospital and Clinics
Classification: Uncertain significance. Last evaluated: 2017-06-02. Review status: criteria provided, single submitter. Criteria: ACMG Guidelines, 2015. Collection method: clinical testing. Allele origin: germline.

Clinical Genetics DNA and cytogenetics Diagnostics Lab, Erasmus MC, Erasmus Medical Center
Classification: Likely benign. Review status: no assertion criteria provided. Collection method: clinical testing. Allele origin: germline. Affected: yes. Study: VKGL Data-share Consensus. Not counted in ClinVar's aggregate classification.

Diagnostic Laboratory, Department of Genetics, University Medical Center Groningen
Classification: Likely benign. Review status: no assertion criteria provided. Collection method: clinical testing. Allele origin: germline. Affected: yes. Study: VKGL Data-share Consensus. Not counted in ClinVar's aggregate classification.